The following is an entry in ClinVar:

NM_025000.4(DCAF17):c.192A>G (p.Gly64=)

Gene: DCAF17 (DDB1 and CUL4 associated factor 17; plus strand). Cytogenetic location: 2q31.1.
Variant type: single nucleotide variant.
Coding change: c.192A>G on transcript NM_025000.4 (MANE Select); coding-DNA position 192, A replaced by G.
Protein change: p.Gly64=; no amino-acid change (glycine 64 retained).
Molecular consequence: synonymous variant. On other transcripts: non-coding transcript variant (1).
Genome position (GRCh38, 1-based): chr2:171,435,148, A>G. VCF-style: chr2-171435148-A-G. GRCh37 (hg19) VCF-style: chr2-172291658-A-G.
Other names: c.192A>G, p.Gly64= (NM_001164821.2).
Identifiers: ClinVar variation 696807 (VCV000696807.35), dbSNP rs200189652, ClinGen allele CA1964567.

ClinVar aggregate classification (germline): Conflicting classifications of pathogenicity. Review status: criteria provided, conflicting classifications (1 of 4 stars). 6 submissions from 6 submitters: Uncertain significance (2); Likely benign (3). 1 of the submissions does not count toward it. Last evaluated 2026-01-26.

Conditions:
DCAF17-related disorder. Also called: DCAF17-related condition.
Woodhouse-Sakati syndrome. Also called: Hypogonadism, Alopecia, Diabetes Mellitus, Mental Retardation, and Extrapyramidal Syndrome; Hypogonadism, diabetes mellitus, alopecia, mental retardation and electrocardiographic abnormalities; EXTRAPYRAMIDAL DISORDER, PROGRESSIVE, WITH PRIMARY HYPOGONADISM, MENTAL RETARDATION, AND ALOPECIA. Identifiers: Orphanet 3464, MedGen C0342286, MONDO:0009419, OMIM 241080.

Allele frequency attached by ClinVar (database versions not stated): ESP Exome Variant Server 0.00008; gnomAD 0.00009 and 0.00017; TOPMed 0.00013; gnomAD exomes 0.00023 and 0.00039; 1000 Genomes Project 0.00040; ExAC 0.00041; 1000 Genomes Project 30x 0.00047.

Submissions (6):

Labcorp Genetics (formerly Invitae), Labcorp
Classification: Likely benign for Woodhouse-Sakati syndrome. Last evaluated: 2026-01-26. Review status: criteria provided, single submitter. Criteria: Invitae Variant Classification Sherloc (09022015). Collection method: clinical testing. Allele origin: germline.

Blueprint Genetics
Classification: Likely benign. Last evaluated: 2024-09-03. Review status: criteria provided, single submitter. Criteria: ACMG Guidelines, 2015. Collection method: clinical testing. Allele origin: germline.

GeneDx
Classification: Uncertain significance. Last evaluated: 2024-06-23. Review status: criteria provided, single submitter. Criteria: GeneDx Variant Classification Process June 2021. Collection method: clinical testing. Allele origin: germline. Affected: yes.
Comment: In silico analysis indicates that this variant does not alter splicing; Has not been previously published as pathogenic or benign to our knowledge

CeGaT Center for Human Genetics Tuebingen
Classification: Likely benign. Last evaluated: 2023-11-01. Review status: criteria provided, single submitter. Criteria: CeGaT Center For Human Genetics Tuebingen Variant Classification Criteria Version 2. Collection method: clinical testing. Allele origin: germline. Affected: yes. Observed: 1 variant allele.
Comment: DCAF17: BP4

Illumina Laboratory Services, Illumina
Classification: Uncertain significance for Woodhouse-Sakati syndrome. Last evaluated: 2018-01-13. Review status: criteria provided, single submitter. Criteria: ICSL Variant Classification Criteria 13 December 2019. Collection method: clinical testing. Allele origin: germline.

PreventionGenetics, part of Exact Sciences
Classification: Likely benign for DCAF17-related condition. Last evaluated: 2024-02-29. Review status: no assertion criteria provided. Collection method: clinical testing. Allele origin: germline. Not counted in ClinVar's aggregate classification.
Comment: This variant is classified as likely benign based on ACMG/AMP sequence variant interpretation guidelines (Richards et al. 2015 PMID: 25741868, with internal and published modifications).